The following is an entry in ClinVar:

ClinVar aggregate classification (germline): Pathogenic (1 of 4 stars; one submission).

Conditions:
Familial cancer of breast. Also called: Hereditary breast cancer; BREAST CANCER, FAMILIAL; hereditary breast carcinoma. Identifiers: Orphanet 227535, MedGen C0346153, MONDO:0016419, OMIM 114480. Disease mechanism: loss of function.

Submission:

Myriad Genetics, Inc.
Classification: Pathogenic for Familial cancer of breast. Last evaluated: 2023-05-31. Review status: criteria provided, single submitter. Criteria: Myriad Autosomal Dominant, Autosomal Recessive and X-Linked Classification Criteria (2023). Collection method: clinical testing. Allele origin: unknown.
Comment: This variant is considered pathogenic. This variant creates a frameshift predicted to result in premature protein truncation.

NM_032043.3(BRIP1):c.777del (p.Thr260fs)

Gene: BRIP1 (BRCA1 interacting DNA helicase 1; minus strand). Cytogenetic location: 17q23.2.
Variant type: Deletion.
Coding change: c.777del on transcript NM_032043.3 (MANE Select); coding-DNA position 777, one base deleted (T; older notation c.777delT).
Protein change: p.Thr260fs; shifts the reading frame from threonine 260.
Molecular consequence: frameshift variant.
Genome position (GRCh38, 1-based): chr17:61,808,608, A deleted on the plus strand (T on the coding strand, the reverse complement: BRIP1 is on the minus strand); the first of 2 consecutive A bases (chr17:61,808,608-61,808,609); deleting either gives the same sequence. VCF-style (leftmost placement, unchanged base first): chr17-61808607-TA-T. GRCh37 (hg19) VCF-style: chr17-59885968-TA-T.
Other names: short protein forms T260fs.
Identifiers: ClinVar variation 2583606 (VCV002583606.2), dbSNP rs1555609254, ClinGen allele CA2582342249.